The following is an entry in ClinVar:

NM_005530.3(IDH3A):c.46del (p.Ala16fs)

Gene: IDH3A (isocitrate dehydrogenase (NAD(+)) 3 catalytic subunit alpha; plus strand). Cytogenetic location: 15q25.1.
Variant type: Deletion.
Coding change: c.46del on transcript NM_005530.3 (MANE Select); coding-DNA position 46, one base deleted (G; older notation c.46delG).
Protein change: p.Ala16fs; shifts the reading frame from alanine 16.
Molecular consequence: frameshift variant.
Genome position (GRCh38, 1-based): chr15:78,155,231, G deleted; the last of 5 consecutive G bases (chr15:78,155,227-78,155,231); deleting any one gives the same sequence. VCF-style (leftmost placement, unchanged base first): chr15-78155226-TG-T. GRCh37 (hg19) VCF-style: chr15-78447568-TG-T.
Other names: short protein forms A16fs.
Identifiers: ClinVar variation 1068937 (VCV001068937.7), dbSNP rs2141942213, ClinGen allele CA645595159.

ClinVar aggregate classification (germline): Pathogenic (1 of 4 stars; one submission).

Submission:

Labcorp Genetics (formerly Invitae), Labcorp
Classification: Pathogenic. Last evaluated: 2021-04-16. Review status: criteria provided, single submitter. Criteria: Invitae Variant Classification Sherloc (09022015). Collection method: clinical testing. Allele origin: germline.
Comment: This variant has not been reported in the literature in individuals with IDH3A-related conditions. For these reasons, this variant has been classified as Pathogenic. Loss-of-function variants in IDH3A are known to be pathogenic (PMID: 28412069). This variant is not present in population databases (ExAC no frequency). This sequence change creates a premature translational stop signal (p.Ala16Hisfs*8) in the IDH3A gene. It is expected to result in an absent or disrupted protein product.

Literature cited by the submitters: PubMed 28412069.